The following is an entry in ClinVar:

NM_001330260.2(SCN8A):c.1230G>A (p.Val410=)

Gene: SCN8A (sodium voltage-gated channel alpha subunit 8; plus strand). Cytogenetic location: 12q13.13.
Variant type: single nucleotide variant.
Coding change: c.1230G>A on transcript NM_001330260.2 (MANE Select); coding-DNA position 1230, G replaced by A.
Protein change: p.Val410=; no amino-acid change (valine 410 retained).
Molecular consequence: synonymous variant.
Genome position (GRCh38, 1-based): chr12:51,705,512, G>A. VCF-style: chr12-51705512-G-A. GRCh37 (hg19) VCF-style: chr12-52099296-G-A.
Other names: c.1230G>A, p.Val410= (NM_001177984.3, NM_001369788.1, NM_014191.4).
Identifiers: ClinVar variation 858966 (VCV000858966.21), dbSNP rs1905244, ClinGen allele CA6571232.

ClinVar aggregate classification (germline): Likely benign. Review status: criteria provided, multiple submitters, no conflicts (2 of 4 stars). 3 submissions from 3 submitters: Likely benign (3). Last evaluated 2025-04-01.

Conditions:
Early-infantile DEE. Also called: Early infantile epileptic encephalopathy; Ohtahara syndrome; Early infantile epileptic encephalopathy with suppression bursts. Identifiers: Orphanet 1934, MedGen C0393706, MONDO:0800491.

Allele frequency attached by ClinVar (database versions not stated): ExAC 0.00001; gnomAD exomes 0.00001 and 0.00003; gnomAD 0.00003 and 0.00004; TOPMed 0.00003.
gnomAD v4.1: 48 of 1,613,918 alleles (0.003%); highest among the groups gnomAD compares: Non-Finnish European, 0.0038%; no homozygotes.

Submissions (3):

CeGaT Center for Human Genetics Tuebingen
Classification: Likely benign. Last evaluated: 2025-04-01. Review status: criteria provided, single submitter. Criteria: CeGaT Center For Human Genetics Tuebingen Variant Classification Criteria Version 2. Collection method: clinical testing. Allele origin: germline. Affected: yes. Observed: 1 variant allele.
Comment: SCN8A: BP4

Labcorp Genetics (formerly Invitae), Labcorp
Classification: Likely benign for Early-infantile DEE. Last evaluated: 2025-02-12. Review status: criteria provided, single submitter. Criteria: Invitae Variant Classification Sherloc (09022015). Collection method: clinical testing. Allele origin: germline.

GeneDx
Classification: Likely benign. Last evaluated: 2019-07-02. Review status: criteria provided, single submitter. Criteria: GeneDx Variant Classification Process June 2021. Collection method: clinical testing. Allele origin: germline. Affected: yes.